The following is an entry in ClinVar:

NM_004991.4(MECOM):c.543G>A (p.Pro181=)

Gene: MECOM (MDS1 and EVI1 complex locus; minus strand). Cytogenetic location: 3q26.2.
Variant type: single nucleotide variant.
Coding change: c.543G>A on transcript NM_004991.4 (MANE Select); coding-DNA position 543, G replaced by A.
Protein change: p.Pro181=; no amino-acid change (proline 181 retained).
Molecular consequence: synonymous variant. On other transcripts: 5 prime UTR variant (12).
Genome position (GRCh38, 1-based): chr3:169,131,499, C>T on the plus strand (G>A on the coding strand, the complement: MECOM is on the minus strand). VCF-style: chr3-169131499-C-T. GRCh37 (hg19) VCF-style: chr3-168849287-C-T.
Other names: p.Pro181=; c.171G>A, p.Pro57= (NM_001105077.4); c.-22G>A (NM_001105078.4, NM_001163999.2, NM_001164000.2 and 9 more transcripts); c.543G>A, p.Pro181= (NM_001366466.2, NM_001366473.2).
Identifiers: ClinVar variation 3038627 (VCV003038627.6), dbSNP rs143480431, ClinGen allele CA2696526.

ClinVar aggregate classification (germline): Likely benign. Review status: criteria provided, multiple submitters, no conflicts (2 of 4 stars). 5 submissions from 5 submitters: Likely benign (4). 1 of the submissions does not count toward it. Last evaluated 2026-08-01.

Conditions:
Inborn genetic diseases. Identifiers: MedGen C0950123, MeSH D030342.
MECOM-related disorder. Also called: MECOM-related condition.

Allele frequency attached by ClinVar (database versions not stated): ExAC 0.00142; 1000 Genomes Project 30x 0.00406; gnomAD 0.00406; 1000 Genomes Project 0.00439; TOPMed 0.00454; ESP Exome Variant Server 0.00500.
gnomAD v4.1: 1,269 of 1,613,756 alleles (0.079%); highest among the groups gnomAD compares: African/African-American, 1.4%; 4 homozygotes.

Submissions (5):

CeGaT Center for Human Genetics Tuebingen
Classification: Likely benign. Last evaluated: 2026-08-01. Review status: criteria provided, single submitter. Criteria: CeGaT Center For Human Genetics Tuebingen Variant Classification Criteria Version 2. Collection method: clinical testing. Allele origin: germline. Affected: yes. Observed: 1 variant allele.
Comment: MECOM: BP4, BP7, BS1

Mayo Clinic Laboratories, Mayo Clinic
Classification: Likely benign. Last evaluated: 2025-04-09. Review status: criteria provided, single submitter. Criteria: ACMG Guidelines, 2015. Collection method: clinical testing. Allele origin: germline. Observed: 1 variant allele.
Comment: BS1, BP4, BP7

Blueprint Genetics
Classification: Likely benign. Last evaluated: 2024-10-14. Review status: criteria provided, single submitter. Criteria: ACMG Guidelines, 2015. Collection method: clinical testing. Allele origin: germline.

Ambry Genetics
Classification: Likely benign for Inborn genetic diseases. Last evaluated: 2024-10-04. Review status: criteria provided, single submitter. Criteria: Ambry Variant Classification Scheme 2023. Collection method: clinical testing. Allele origin: germline.

PreventionGenetics, part of Exact Sciences
Classification: Likely benign for MECOM-related condition. Last evaluated: 2019-03-04. Review status: no assertion criteria provided. Collection method: clinical testing. Allele origin: germline. Not counted in ClinVar's aggregate classification.
Comment: This variant is classified as likely benign based on ACMG/AMP sequence variant interpretation guidelines (Richards et al. 2015 PMID: 25741868, with internal and published modifications).